The following is an entry in ClinVar:

ClinVar aggregate classification (germline): Uncertain significance. Review status: criteria provided, multiple submitters, no conflicts (2 of 4 stars). 2 submissions from 2 submitters: Uncertain significance (2). Last evaluated 2025-10-29.

Conditions:
Glycogen storage disease, type V (GSD5). Also called: MCARDLE DISEASE; MUSCLE GLYCOGEN PHOSPHORYLASE DEFICIENCY; MYOPHOSPHORYLASE DEFICIENCY; PYGM DEFICIENCY; McArdle type glycogen storage disease. Identifiers: Orphanet 368, MedGen C0017924, MONDO:0009293, OMIM 232600.

Submissions (2):

Labcorp Genetics (formerly Invitae), Labcorp
Classification: Uncertain significance for Glycogen storage disease, type V. Last evaluated: 2025-10-29. Review status: criteria provided, single submitter. Criteria: Invitae Variant Classification Sherloc (09022015). Collection method: clinical testing. Allele origin: germline.
Comment: This sequence change replaces aspartic acid, which is acidic and polar, with glutamic acid, which is acidic and polar, at codon 356 of the PYGM protein (p.Asp356Glu). This variant is not present in population databases (gnomAD no frequency). This variant has not been reported in the literature in individuals affected with PYGM-related conditions. Invitae Evidence Modeling of protein sequence and biophysical properties (such as structural, functional, and spatial information, amino acid conservation, physicochemical variation, residue mobility, and thermodynamic stability) indicates that this missense variant is expected to disrupt PYGM protein function with a positive predictive value of 95%. In summary, the available evidence is currently insufficient to determine the role of this variant in disease. Therefore, it has been classified as a Variant of Uncertain Significance.

Blueprint Genetics
Classification: Uncertain significance. Last evaluated: 2018-07-13. Review status: criteria provided, single submitter. Criteria: ACMG Guidelines, 2015. Collection method: clinical testing. Allele origin: germline.

NM_005609.4(PYGM):c.1068C>G (p.Asp356Glu)

Gene: PYGM (glycogen phosphorylase, muscle associated; minus strand). Cytogenetic location: 11q13.1.
Variant type: single nucleotide variant.
Coding change: c.1068C>G on transcript NM_005609.4 (MANE Select); coding-DNA position 1068, C replaced by G.
Protein change: p.Asp356Glu; replaces aspartic acid 356 with glutamic acid.
Molecular consequence: missense variant.
Genome position (GRCh38, 1-based): chr11:64,754,277, G>C on the plus strand (C>G on the coding strand, the complement: PYGM is on the minus strand). VCF-style: chr11-64754277-G-C. GRCh37 (hg19) VCF-style: chr11-64521749-G-C.
Other names: c.804C>G, p.Asp268Glu (NM_001164716.1); short protein forms D268E, D356E.
Identifiers: ClinVar variation 4769208 (VCV004769208.2).